The following is an entry in ClinVar:

ClinVar aggregate classification (germline): Uncertain significance (1 of 4 stars; one submission).

Conditions:
Charcot-Marie-Tooth disease, type I (CMT1). Also called: Charcot-Marie-Tooth disease type 1; Charcot-Marie-Tooth, Type 1. Identifiers: Orphanet 65753, MedGen C0751036, MONDO:0019011.

Allele frequency attached by ClinVar (database versions not stated): gnomAD exomes below 0.00001.
gnomAD v4.1: 1 of 1,613,862 alleles (0.000062%); highest among the groups gnomAD compares: Non-Finnish European, 0.000085%; no homozygotes.

Submission:

Labcorp Genetics (formerly Invitae), Labcorp
Classification: Uncertain significance for Charcot-Marie-Tooth disease, type I. Last evaluated: 2022-08-09. Review status: criteria provided, single submitter. Criteria: Invitae Variant Classification Sherloc (09022015). Collection method: clinical testing. Allele origin: germline.
Comment: In summary, the available evidence is currently insufficient to determine the role of this variant in disease. Therefore, it has been classified as a Variant of Uncertain Significance. Algorithms developed to predict the effect of missense changes on protein structure and function are either unavailable or do not agree on the potential impact of this missense change (SIFT: "Not Available"; PolyPhen-2: "Possibly Damaging"; Align-GVGD: "Not Available"). ClinVar contains an entry for this variant (Variation ID: 581957). This variant has not been reported in the literature in individuals affected with EGR2-related conditions. This variant is not present in population databases (gnomAD no frequency). This sequence change replaces arginine, which is basic and polar, with glutamine, which is neutral and polar, at codon 373 of the EGR2 protein (p.Arg373Gln).

NM_000399.5(EGR2):c.1118G>A (p.Arg373Gln)

Gene: EGR2 (early growth response 2; minus strand). Cytogenetic location: 10q21.3.
Variant type: single nucleotide variant.
Coding change: c.1118G>A on transcript NM_000399.5 (MANE Select); coding-DNA position 1118, G replaced by A.
Protein change: p.Arg373Gln; replaces arginine 373 with glutamine.
Molecular consequence: missense variant.
Genome position (GRCh38, 1-based): chr10:62,813,520, C>T on the plus strand (G>A on the coding strand, the complement: EGR2 is on the minus strand). VCF-style: chr10-62813520-C-T. GRCh37 (hg19) VCF-style: chr10-64573280-C-T.
Other names: c.1118G>A, p.Arg373Gln (NM_001136177.3, NM_001136178.2); c.968G>A, p.Arg323Gln (NM_001136179.3, NM_001321037.2); short protein forms R373Q, R323Q.
Identifiers: ClinVar variation 581957 (VCV000581957.10), dbSNP rs1564706128, ClinGen allele CA377027648.
Genomic context (GRCh38, chr10:62,813,520, plus strand): 5'-GTGTGGGTGCGGATATGGGTGGTGAGGTGGTCACTGCGGCTGAAGTTGCGCATGCAGATC[C>T]GACACTGGAAGGGCTTATGCCCAGTGTGGATTCGGATGTGCCGTGTCAGCTCGTCAGAGC-3'
Protein context (NP_000390.2, residues 363-383): IHTGHKPFQC[Arg373Gln]ICMRNFSRSD